The following is an entry in ClinVar:

NM_001258392.3(CLPB):c.1477G>A (p.Glu493Lys)

Gene: CLPB (ClpB family mitochondrial disaggregase; minus strand). Cytogenetic location: 11q13.4.
Variant type: single nucleotide variant.
Coding change: c.1477G>A on transcript NM_001258392.3 (MANE Select); coding-DNA position 1477, G replaced by A.
Protein change: p.Glu493Lys; replaces glutamic acid 493 with lysine.
Molecular consequence: missense variant.
Genome position (GRCh38, 1-based): chr11:72,295,501, C>T on the plus strand (G>A on the coding strand, the complement: CLPB is on the minus strand). VCF-style: chr11-72295501-C-T. GRCh37 (hg19) VCF-style: chr11-72006545-C-T.
Other names: c.1567G>A (NM_030813.3); c.1390G>A, p.Glu464Lys (NM_001258393.3); c.1432G>A, p.Glu478Lys (NM_001258394.3); c.1567G>A, p.Glu523Lys (NM_030813.6); short protein forms E464K, E523K, E478K, E493K.
Identifiers: ClinVar variation 1490584 (VCV001490584.9), dbSNP rs376835047, ClinGen allele CA6171159.

ClinVar aggregate classification (germline): Uncertain significance. Review status: criteria provided, multiple submitters, no conflicts (2 of 4 stars). 2 submissions from 2 submitters: Uncertain significance (2). Last evaluated 2025-01-20.

Conditions:
Inborn genetic diseases. Identifiers: MedGen C0950123, MeSH D030342.
3-methylglutaconic aciduria, type VIIB (MGCA7B). Also called: CLPB Deficiency; 3-methylglutaconic aciduria with cataracts, neurologic involvement and neutropenia; 3-methylglutaconic aciduria, type VII, with cataracts, neurologic involvement and neutropenia. Identifiers: Orphanet 445038, MedGen C5676893, MONDO:0014561, OMIM 616271.

Allele frequency attached by ClinVar (database versions not stated): gnomAD 0.00001 and 0.00002; TOPMed 0.00003; ExAC 0.00005; gnomAD exomes 0.00005 and 0.00006; ESP Exome Variant Server 0.00008; 1000 Genomes Project 30x 0.00016; 1000 Genomes Project 0.00020.
gnomAD v4.1: 73 of 1,613,976 alleles (0.0045%); highest among the groups gnomAD compares: South Asian, 0.024%; no homozygotes.

Submissions (2):

Ambry Genetics
Classification: Uncertain significance for Inborn genetic diseases. Last evaluated: 2025-01-20. Review status: criteria provided, single submitter. Criteria: Ambry Variant Classification Scheme 2023. Collection method: clinical testing. Allele origin: germline.

Labcorp Genetics (formerly Invitae), Labcorp
Classification: Uncertain significance for 3-methylglutaconic aciduria, type VIIB. Last evaluated: 2024-08-22. Review status: criteria provided, single submitter. Criteria: Invitae Variant Classification Sherloc (09022015). Collection method: clinical testing. Allele origin: germline.
Comment: This sequence change replaces glutamic acid, which is acidic and polar, with lysine, which is basic and polar, at codon 523 of the CLPB protein (p.Glu523Lys). This variant is present in population databases (rs376835047, gnomAD 0.02%). This variant has not been reported in the literature in individuals affected with CLPB-related conditions. ClinVar contains an entry for this variant (Variation ID: 1490584). An algorithm developed to predict the effect of missense changes on protein structure and function (PolyPhen-2) suggests that this variant is likely to be tolerated. In summary, the available evidence is currently insufficient to determine the role of this variant in disease. Therefore, it has been classified as a Variant of Uncertain Significance.